The following is an entry in ClinVar:

NM_006059.4(LAMC3):c.1609G>T (p.Glu537Ter)

Gene: LAMC3 (laminin subunit gamma 3; plus strand). Cytogenetic location: 9q34.12.
Variant type: single nucleotide variant.
Coding change: c.1609G>T on transcript NM_006059.4 (MANE Select); coding-DNA position 1609, G replaced by T.
Protein change: p.Glu537Ter; replaces glutamic acid 537 with a stop codon.
Molecular consequence: nonsense.
Genome position (GRCh38, 1-based): chr9:131,049,109, G>T. VCF-style: chr9-131049109-G-T. GRCh37 (hg19) VCF-style: chr9-133924496-G-T.
Other names: short protein forms E537*.
Identifiers: ClinVar variation 2011052 (VCV002011052.4), dbSNP rs1011715171, ClinGen allele CA375263371.

ClinVar aggregate classification (germline): Pathogenic (1 of 4 stars; one submission).

Submission:

Labcorp Genetics (formerly Invitae), Labcorp
Classification: Pathogenic. Last evaluated: 2024-11-05. Review status: criteria provided, single submitter. Criteria: Invitae Variant Classification Sherloc (09022015). Collection method: clinical testing. Allele origin: germline.
Comment: This sequence change creates a premature translational stop signal (p.Glu537*) in the LAMC3 gene. It is expected to result in an absent or disrupted protein product. Loss-of-function variants in LAMC3 are known to be pathogenic (PMID: 21572413, 26802095). This variant is not present in population databases (gnomAD no frequency). This variant has not been reported in the literature in individuals affected with LAMC3-related conditions. ClinVar contains an entry for this variant (Variation ID: 2011052). Algorithms developed to predict the effect of sequence changes on RNA splicing suggest that this variant may disrupt the consensus splice site. For these reasons, this variant has been classified as Pathogenic.

Literature cited by the submitters: PubMed 21572413; PubMed 26802095.